The following is an entry in ClinVar:

NM_013275.6(ANKRD11):c.6949C>T (p.Pro2317Ser)

Gene: ANKRD11 (ankyrin repeat domain 11; minus strand). Cytogenetic location: 16q24.3.
Variant type: single nucleotide variant.
Coding change: c.6949C>T on transcript NM_013275.6 (MANE Select); coding-DNA position 6949, C replaced by T.
Protein change: p.Pro2317Ser; replaces proline 2317 with serine.
Molecular consequence: missense variant.
Genome position (GRCh38, 1-based): chr16:89,279,593, G>A on the plus strand (C>T on the coding strand, the complement: ANKRD11 is on the minus strand). VCF-style: chr16-89279593-G-A. GRCh37 (hg19) VCF-style: chr16-89346001-G-A.
Other names: c.6949C>T, p.Pro2317Ser (NM_001256182.2, NM_001256183.2); short protein forms P2317S.
Identifiers: ClinVar variation 4976130 (VCV004976130.1).
Genomic context (GRCh38, chr16:89,279,593, plus strand): 5'-TCATGCGCTGAGGGATCTCCTCCACTCGGGGGGCCTTCGGGGCTTCGGCCGTGGGTTTTG[G>A]TTCTGCGGCTTCCGGCTGGATGCCGCCAGGAGGGCCTTCGGCTGGGGCGGCGGCACGGGA-3'
Protein context (NP_037407.4, residues 2307-2327): PGGIQPEAAE[Pro2317Ser]KPTAEAPKAP

ClinVar aggregate classification (germline): Uncertain significance (1 of 4 stars; one submission).

Submission:

GeneDx
Classification: Uncertain significance. Last evaluated: 2026-02-04. Review status: criteria provided, single submitter. Criteria: GeneDx Variant Classification Process June 2021. Collection method: clinical testing. Allele origin: germline.
Comment: Not observed at significant frequency in large population cohorts (gnomAD); In silico analysis suggests that this missense variant does not alter protein structure/function; Has not been previously published as pathogenic or benign to our knowledge